The following is an entry in ClinVar:

ClinVar aggregate classification (germline): Uncertain significance (1 of 4 stars; one submission).

Conditions:
Angelman syndrome (AS). Also called: HAPPY PUPPET SYNDROME. Identifiers: Orphanet 72, MedGen C0162635, MONDO:0007113, OMIM 105830. Disease mechanism: loss of function. Inheritance: AS is caused by disruption of maternally imprinted UBE3A located within the 15q11.2-q13 Angelman syndrome/Prader-Willi syndrome (AS/PWS) region., imprinting disorder.

Allele frequency attached by ClinVar (database versions not stated): gnomAD 0.00001; TOPMed 0.00001; gnomAD exomes 0.00003; ExAC 0.00005.
gnomAD v4.1: 40 of 1,613,894 alleles (0.0025%); highest among the groups gnomAD compares: Non-Finnish European, 0.0033%; no homozygotes.

Submission:

Labcorp Genetics (formerly Invitae), Labcorp
Classification: Uncertain significance for Angelman syndrome. Last evaluated: 2024-03-02. Review status: criteria provided, single submitter. Criteria: Invitae Variant Classification Sherloc (09022015). Collection method: clinical testing. Allele origin: germline.
Comment: This sequence change replaces arginine, which is basic and polar, with glutamine, which is neutral and polar, at codon 256 of the UBE3A protein (p.Arg256Gln). This variant is present in population databases (rs200496882, gnomAD 0.006%). This variant has not been reported in the literature in individuals affected with UBE3A-related conditions. ClinVar contains an entry for this variant (Variation ID: 1907295). Advanced modeling of protein sequence and biophysical properties (such as structural, functional, and spatial information, amino acid conservation, physicochemical variation, residue mobility, and thermodynamic stability) has been performed at Invitae for this missense variant, however the output from this modeling did not meet the statistical confidence thresholds required to predict the impact of this variant on UBE3A protein function. In summary, the available evidence is currently insufficient to determine the role of this variant in disease. Therefore, it has been classified as a Variant of Uncertain Significance.

NM_130839.5(UBE3A):c.827G>A (p.Arg276Gln)

Genes: SNHG14 (small nucleolar RNA host gene 14; plus strand), UBE3A (ubiquitin protein ligase E3A; minus strand). Cytogenetic location: 15q11.2.
Variant type: single nucleotide variant.
Coding change: c.827G>A on transcript NM_130839.5 (MANE Select); coding-DNA position 827, G replaced by A.
Protein change: p.Arg276Gln; replaces arginine 276 with glutamine.
Molecular consequence: missense variant. On other transcripts: non-coding transcript variant (1), intron variant (2).
Genome position (GRCh38, 1-based): chr15:25,371,347, C>T on the plus strand (G>A on the coding strand, the complement: UBE3A is on the minus strand). VCF-style: chr15-25371347-C-T. GRCh37 (hg19) VCF-style: chr15-25616494-C-T.
Other names: c.836G>A, p.Arg279Gln (NM_000462.5); c.827G>A, p.Arg276Gln (NM_001354505.1, NM_001354538.2, NM_001354545.2); c.767G>A, p.Arg256Gln (NM_001354506.2, NM_001354507.2, NM_001354508.2 and 17 more transcripts); c.301+4118G>A (NM_001354551.2); c.361+4118G>A (NM_001354550.2); c.650G>A, p.Arg217Gln (NM_001354546.2); short protein forms R217Q, R256Q, R279Q, R276Q.
Identifiers: ClinVar variation 1907295 (VCV001907295.5), dbSNP rs200496882, ClinGen allele CA7435585.
Genomic context (GRCh38, chr15:25,371,347, plus strand): 5'-GGACTGTGGAGATTTCTATTCTCCATTACGATAATGAACAAATTCAGATAATTAGGATCT[C>T]GAGAGTATACATTGTGATACGTCAAGTCACATTCCACGTTAGGTGACAAATATACAAGTG-3'
Protein context (NP_570854.1, residues 266-286): CDLTYHNVYS[Arg276Gln]DPNYLNLFII